The following is an entry in ClinVar:

NM_006766.5(KAT6A):c.452T>C (p.Ile151Thr)

Gene: KAT6A (lysine acetyltransferase 6A; minus strand). Cytogenetic location: 8p11.21.
Variant type: single nucleotide variant.
Coding change: c.452T>C on transcript NM_006766.5 (MANE Select); coding-DNA position 452, T replaced by C.
Protein change: p.Ile151Thr; replaces isoleucine 151 with threonine.
Molecular consequence: missense variant.
Genome position (GRCh38, 1-based): chr8:42,048,526, A>G on the plus strand (T>C on the coding strand, the complement: KAT6A is on the minus strand). VCF-style: chr8-42048526-A-G. GRCh37 (hg19) VCF-style: chr8-41906044-A-G.
Other names: c.452T>C, p.Ile151Thr (NM_001305878.2); short protein forms I151T.
Identifiers: ClinVar variation 2467753 (VCV002467753.2), dbSNP rs2487060632, ClinGen allele CA371174642.
Genomic context (GRCh38, chr8:42,048,526, plus strand): 5'-GTGTTGAGCCGATAAAGAGGTCCATCTTTAAGGAGTCTGCCGTGGCCAATGGCACGTTTG[A>G]TAGCCAATCGTAACTGCTGGTGAAAGCCAGAGGCAGCACTGCCTCCGAATAATGCAGACA-3'
Protein context (NP_006757.2, residues 141-161): SGFHQQLRLA[Ile151Thr]KRAIGHGRLL

ClinVar aggregate classification (germline): Uncertain significance (1 of 4 stars; one submission).

Conditions:
Inborn genetic diseases. Identifiers: MedGen C0950123, MeSH D030342.

Submission:

Ambry Genetics
Classification: Uncertain significance for Inborn genetic diseases. Last evaluated: 2023-01-24. Review status: criteria provided, single submitter. Criteria: Ambry Variant Classification Scheme 2023. Collection method: clinical testing. Allele origin: germline.
Comment: The c.452T>C (p.I151T) alteration is located in exon 2 (coding exon 1) of the KAT6A gene. This alteration results from a T to C substitution at nucleotide position 452, causing the isoleucine (I) at amino acid position 151 to be replaced by a threonine (T). This variant was not reported in population-based cohorts in the Genome Aggregation Database (gnomAD). This amino acid position is not well conserved in available vertebrate species. This alteration is predicted to be tolerated by in silico analysis. Based on insufficient or conflicting evidence, the clinical significance of this alteration remains unclear.